The following is an entry in ClinVar:

NM_138694.4(PKHD1):c.7582_7587delinsAATGGA (p.Asp2528Asn)

Gene: PKHD1 (PKHD1 ciliary IPT domain containing fibrocystin/polyductin; minus strand). Cytogenetic location: 6p12.2.
Variant type: Indel.
Coding change: c.7582_7587delinsAATGGA on transcript NM_138694.4 (MANE Select); coding-DNA positions 7582 to 7587, GATGGG replaced by AATGGA.
Protein change: p.Asp2528Asn; replaces aspartic acid 2528 with asparagine.
Molecular consequence: missense variant.
Genome position (GRCh38, 1-based): chr6:51,868,009-51,868,014, CCCATC replaced by TCCATT on the plus strand (GATGGG replaced by AATGGA on the coding strand, the reverse complement: PKHD1 is on the minus strand). VCF-style: chr6-51868009-CCCATC-TCCATT. GRCh37 (hg19) VCF-style: chr6-51732807-CCCATC-TCCATT.
Other names: c.7582_7587delinsAATGGA, p.Asp2528Asn (NM_170724.3); short protein forms D2528N.
Identifiers: ClinVar variation 4525934 (VCV004525934.1).
Genomic context (GRCh38, chr6:51,868,009, plus strand): 5'-AGAAGCTGAAAGGGTTTCCATAGAAGCAAGAATGTGACTTCTGTTTTTCCCAGACAGAGA[CCCATC>TCCATT]CAAGTCTTCCAAAATTGCTGCATGAGGAAATGGAAATGCCACTAAGTTTGAAGAGTTTGT-3'
Protein context (NP_619639.3, residues 2518-2538): FPHAAILEDL[Asp2528Asn]GSLSGKNRSH

ClinVar aggregate classification (germline): Uncertain significance (1 of 4 stars; one submission).

Submission:

Women's Health and Genetics/Laboratory Corporation of America, LabCorp
Classification: Uncertain significance. Last evaluated: 2025-07-14. Review status: criteria provided, single submitter. Criteria: LabCorp Variant Classification Summary - May 2015. Collection method: clinical testing. Allele origin: germline.
Comment: Variant summary: PKHD1 c.7582_7587delinsAATGGA (p.Asp2528Asn) results in a conservative amino acid change in the encoded protein sequence. Algorithms developed to predict the effect of missense changes on protein structure and function are either unavailable or do not agree on the potential impact of this missense change. The variant was absent in 281844 control chromosomes. The available data on variant occurrences in the general population are insufficient to allow any conclusion about variant significance. To our knowledge, no occurrence of c.7582_7587delinsAATGGA in individuals affected with Polycystic Kidney And Hepatic Disease and no experimental evidence demonstrating its impact on protein function have been reported. No submitters have cited clinical-significance assessments for this variant to ClinVar. Based on the evidence outlined above, the variant was classified as uncertain significance.